The following is an entry in ClinVar:

ClinVar aggregate classification (germline): Uncertain significance (1 of 4 stars; one submission).

Conditions:
Familial hypobetalipoproteinemia 1. Also called: APOB-Related Familial Hypobetalipoproteinemia; Hypobetalipoproteinemia, normotriglyceridemic; Acanthocytosis with hypobetalipoproteinemia. Identifiers: MedGen C4551990, MONDO:0014252, OMIM 615558.
Hypercholesterolemia, autosomal dominant, type B (FHCL2). Also called: Familial Hypercholesterolemia Type B; APOLIPOPROTEIN B-100, FAMILIAL DEFECTIVE; APOLIPOPROTEIN B-100, FAMILIAL LIGAND-DEFECTIVE; HYPERCHOLESTEROLEMIA, FAMILIAL, DUE TO LIGAND-DEFECTIVE APOLIPOPROTEIN B; Hyperlipoproteinemia Type IIb; Familial hypercholesterolemia 2. Identifiers: MedGen C1704417, MONDO:0007751, OMIM 144010.

Allele frequency attached by ClinVar (database versions not stated): gnomAD 0.00001.
gnomAD v4.1: 4 of 1,613,914 alleles (0.00025%); highest among the groups gnomAD compares: Non-Finnish European, 0.00034%; no homozygotes.

Submission:

Labcorp Genetics (formerly Invitae), Labcorp
Classification: Uncertain significance for Familial hypobetalipoproteinemia 1; Hypercholesterolemia, autosomal dominant, type B. Last evaluated: 2024-01-25. Review status: criteria provided, single submitter. Criteria: Invitae Variant Classification Sherloc (09022015). Collection method: clinical testing. Allele origin: germline.
Comment: This sequence change replaces histidine, which is basic and polar, with asparagine, which is neutral and polar, at codon 3479 of the APOB protein (p.His3479Asn). This variant is present in population databases (no rsID available, gnomAD 0.007%). This variant has not been reported in the literature in individuals affected with APOB-related conditions. Advanced modeling of protein sequence and biophysical properties (such as structural, functional, and spatial information, amino acid conservation, physicochemical variation, residue mobility, and thermodynamic stability) has been performed at Invitae for this missense variant, however the output from this modeling did not meet the statistical confidence thresholds required to predict the impact of this variant on APOB protein function. In summary, the available evidence is currently insufficient to determine the role of this variant in disease. Therefore, it has been classified as a Variant of Uncertain Significance.

NM_000384.3(APOB):c.10435C>A (p.His3479Asn)

Gene: APOB (apolipoprotein B; minus strand). Cytogenetic location: 2p24.1.
Variant type: single nucleotide variant.
Coding change: c.10435C>A on transcript NM_000384.3 (MANE Select); coding-DNA position 10435, C replaced by A.
Protein change: p.His3479Asn; replaces histidine 3479 with asparagine.
Molecular consequence: missense variant.
Genome position (GRCh38, 1-based): chr2:21,006,433, G>T on the plus strand (C>A on the coding strand, the complement: APOB is on the minus strand). VCF-style: chr2-21006433-G-T. GRCh37 (hg19) VCF-style: chr2-21229305-G-T.
Other names: short protein forms H3479N.
Identifiers: ClinVar variation 2947013 (VCV002947013.3), dbSNP rs1190002544, ClinGen allele CA345986538.